The following is an entry in ClinVar:

ClinVar aggregate classification (germline): Pathogenic (1 of 4 stars; one submission).

Conditions:
Nephronophthisis 15 (NPHP15). Identifiers: Orphanet 3156, MedGen C3541853, MONDO:0013917, OMIM 614845.

Allele frequency attached by ClinVar (database versions not stated): gnomAD exomes 0.00001; ExAC 0.00005.

Submission:

Labcorp Genetics (formerly Invitae), Labcorp
Classification: Pathogenic for Nephronophthisis 15. Last evaluated: 2023-06-30. Review status: criteria provided, single submitter. Criteria: Invitae Variant Classification Sherloc (09022015). Collection method: clinical testing. Allele origin: germline.
Comment: For these reasons, this variant has been classified as Pathogenic. This variant has not been reported in the literature in individuals affected with CEP164-related conditions. The frequency data for this variant in the population databases is considered unreliable, as metrics indicate poor data quality at this position in the gnomAD database. This sequence change creates a premature translational stop signal (p.Gln496Argfs*97) in the CEP164 gene. It is expected to result in an absent or disrupted protein product. Loss-of-function variants in CEP164 are known to be pathogenic (PMID: 22863007, 28125082, 32367404, 34132027, 34499853).

Literature cited by the submitters: PubMed 22863007; PubMed 28125082; PubMed 32367404; PubMed 34132027; PubMed 34499853.

NM_014956.5(CEP164):c.1482del (p.Gln496fs)

Gene: CEP164 (centrosomal protein 164; plus strand). Cytogenetic location: 11q23.3.
Variant type: Deletion.
Coding change: c.1482del on transcript NM_014956.5 (MANE Select); coding-DNA position 1482, one base deleted (T; older notation c.1482delT).
Protein change: p.Gln496fs; shifts the reading frame from glutamine 496.
Molecular consequence: frameshift variant.
Genome position (GRCh38, 1-based): chr11:117,381,773, T deleted. VCF-style (leftmost placement, unchanged base first): chr11-117381772-CT-C. GRCh37 (hg19) VCF-style: chr11-117252488-CT-C.
Other names: c.1491del, p.Gln499fs (NM_001271933.2); short protein forms Q496fs, Q499fs.
Identifiers: ClinVar variation 2815136 (VCV002815136.3), dbSNP rs755923652, ClinGen allele CA6294770.
Genomic context (GRCh38, chr11:117,381,772, plus strand): 5'-CACTTCCACACGAGGAGCGGGCCCAGAGTCCCCCTCGCAGCCTGGCCACTGAAGAAGAGC[CT>C]CCCCAGGGCCCCGAGGGGCAGCCCGAGTGGAAGGAGGCAGAGGAGCTTGGGGAGGACTCT-3'